The following is an entry in ClinVar:

NM_020949.3(SLC7A14):c.246G>A (p.Met82Ile)

Genes: SLC7A14 (solute carrier family 7 member 14; minus strand), SLC7A14-AS1 (SLC7A14 antisense RNA 1; plus strand). Cytogenetic location: 3q26.2.
Variant type: single nucleotide variant.
Coding change: c.246G>A on transcript NM_020949.3 (MANE Select); coding-DNA position 246, G replaced by A.
Protein change: p.Met82Ile; replaces methionine 82 with isoleucine.
Molecular consequence: missense variant.
Genome position (GRCh38, 1-based): chr3:170,526,691, C>T on the plus strand (G>A on the coding strand, the complement: SLC7A14 is on the minus strand). VCF-style: chr3-170526691-C-T. GRCh37 (hg19) VCF-style: chr3-170244480-C-T.
Other names: short protein forms M82I.
Identifiers: ClinVar variation 1054097 (VCV001054097.8), dbSNP rs2108293675, ClinGen allele CA355519925.

ClinVar aggregate classification (germline): Uncertain significance (1 of 4 stars; one submission).

Allele frequency attached by ClinVar (database versions not stated): gnomAD exomes below 0.00001.
gnomAD v4.1: 2 of 1,614,242 alleles (0.00012%); highest among the groups gnomAD compares: Non-Finnish European, 0.00017%; no homozygotes.

Submission:

Labcorp Genetics (formerly Invitae), Labcorp
Classification: Uncertain significance. Last evaluated: 2023-11-10. Review status: criteria provided, single submitter. Criteria: Invitae Variant Classification Sherloc (09022015). Collection method: clinical testing. Allele origin: germline.
Comment: This sequence change replaces methionine, which is neutral and non-polar, with isoleucine, which is neutral and non-polar, at codon 82 of the SLC7A14 protein (p.Met82Ile). This variant is not present in population databases (gnomAD no frequency). This variant has not been reported in the literature in individuals affected with SLC7A14-related conditions. ClinVar contains an entry for this variant (Variation ID: 1054097). An algorithm developed to predict the effect of missense changes on protein structure and function (PolyPhen-2) suggests that this variant is likely to be tolerated. In summary, the available evidence is currently insufficient to determine the role of this variant in disease. Therefore, it has been classified as a Variant of Uncertain Significance.